The following is an entry in ClinVar:

NM_001235.5(SERPINH1):c.565A>G (p.Thr189Ala)

Gene: SERPINH1 (serpin family H member 1; plus strand). Cytogenetic location: 11q13.5.
Variant type: single nucleotide variant.
Coding change: c.565A>G on transcript NM_001235.5 (MANE Select); coding-DNA position 565, A replaced by G.
Protein change: p.Thr189Ala; replaces threonine 189 with alanine.
Molecular consequence: missense variant.
Genome position (GRCh38, 1-based): chr11:75,566,914, A>G. VCF-style: chr11-75566914-A-G. GRCh37 (hg19) VCF-style: chr11-75277959-A-G.
Other names: c.565A>G, p.Thr189Ala (NM_001207014.3); short protein forms T189A.
Identifiers: ClinVar variation 440263 (VCV000440263.21), dbSNP rs138784081, ClinGen allele CA6190840.
Genomic context (GRCh38, chr11:75,566,914, plus strand): 5'-GCGCTGCAGTCCATCAACGAGTGGGCCGCGCAGACCACCGACGGCAAGCTGCCCGAGGTC[A>G]CCAAGGACGTGGAGCGCACGGACGGCGCCCTGCTAGTCAACGCCATGTTCTTCAAGCGTG-3'
Protein context (NP_001226.2, residues 179-199): QTTDGKLPEV[Thr189Ala]KDVERTDGAL

ClinVar aggregate classification (germline): Conflicting classifications of pathogenicity. Review status: criteria provided, conflicting classifications (1 of 4 stars). 5 submissions from 5 submitters: Uncertain significance (3); Likely benign (2). Last evaluated 2026-02-10.

Conditions:
SERPINH1-related disorder. Also called: SERPINH1-related condition.
Osteogenesis imperfecta type 10 (OI10). Also called: OI, TYPE X. Identifiers: Orphanet 666, MedGen C3151211, MONDO:0013459, OMIM 613848.

Allele frequency attached by ClinVar (database versions not stated): gnomAD 0.00003; gnomAD exomes 0.00006 and 0.00013; ExAC 0.00016; ESP Exome Variant Server 0.00046; 1000 Genomes Project 30x 0.00047; TOPMed 0.00052; 1000 Genomes Project 0.00060.
gnomAD v4.1: 172 of 1,607,498 alleles (0.011%); highest among the groups gnomAD compares: African/African-American, 0.19%; 3 homozygotes.

Submissions (5):

PreventionGenetics, part of Exact Sciences
Classification: Likely benign for SERPINH1-related condition. Last evaluated: 2026-02-10. Review status: criteria provided, single submitter. Criteria: ACMG Guidelines, 2015. Collection method: clinical testing. Allele origin: germline.
Comment: This variant is classified as likely benign based on ACMG/AMP sequence variant interpretation guidelines (Richards et al. 2015 PMID: 25741868, with internal and published modifications).

Labcorp Genetics (formerly Invitae), Labcorp
Classification: Likely benign. Last evaluated: 2025-09-09. Review status: criteria provided, single submitter. Criteria: Invitae Variant Classification Sherloc (09022015). Collection method: clinical testing. Allele origin: germline.

GeneDx
Classification: Uncertain significance. Last evaluated: 2024-11-25. Review status: criteria provided, single submitter. Criteria: GeneDx Variant Classification Process June 2021. Collection method: clinical testing. Allele origin: germline. Affected: yes.
Comment: In silico analysis indicates that this missense variant does not alter protein structure/function; Has not been previously published as pathogenic or benign to our knowledge; This variant is associated with the following publications: (PMID: 30986427)

ARUP Laboratories, Molecular Genetics and Genomics, ARUP Laboratories
Classification: Uncertain significance. Last evaluated: 2018-05-18. Review status: criteria provided, single submitter. Criteria: ARUP Molecular Germline Variant Investigation Process. Collection method: clinical testing. Allele origin: germline.
Comment: The SERPINH1 c.565A>G; p.Thr189Ala variant (rs138784081), to our knowledge, has not been reported in the medical literature or gene-specific databases, but is observed in the African population at an overall frequency of 0.1% (24/23646 alleles) in the Genome Aggregation Database. The threonine at codon 189 is highly conserved, but computational algorithms (SIFT: damaging, PolyPhen-2: benign) predict conflicting effects of this variant on protein structure and/or function. Due to the lack of clinical and functional data regarding this variant, its clinical significance cannot be determined with certainty. Pathogenic SERPINH1 variants are inherited in an autosomal recessive manner, and are associated with osteogenesis imperfect type X (MIM: 613848).

Illumina Laboratory Services, Illumina
Classification: Uncertain significance for Osteogenesis imperfecta type 10. Last evaluated: 2018-01-12. Review status: criteria provided, single submitter. Criteria: ICSL Variant Classification Criteria 13 December 2019. Collection method: clinical testing. Allele origin: germline.